The following is an entry in ClinVar:

NM_004656.4(BAP1):c.220G>A (p.Asp74Asn)

Gene: BAP1 (BRCA1 associated deubiquitinase 1; minus strand). Cytogenetic location: 3p21.1.
Variant type: single nucleotide variant.
Coding change: c.220G>A on transcript NM_004656.4 (MANE Select); coding-DNA position 220, G replaced by A.
Protein change: p.Asp74Asn; replaces aspartic acid 74 with asparagine.
Molecular consequence: missense variant.
Genome position (GRCh38, 1-based): chr3:52,408,509, C>T on the plus strand (G>A on the coding strand, the complement: BAP1 is on the minus strand). VCF-style: chr3-52408509-C-T. GRCh37 (hg19) VCF-style: chr3-52442525-C-T.
Other names: c.220G>A, p.Asp74Asn (NM_001410772.1); short protein forms D74N.
Identifiers: ClinVar variation 5032753 (VCV005032753.1).

ClinVar aggregate classification (germline): Uncertain significance (1 of 4 stars; one submission).

Conditions:
Hereditary cancer-predisposing syndrome. Also called: Neoplastic Syndromes, Hereditary; Tumor predisposition; Hereditary neoplastic syndrome; Hereditary Cancer Syndrome. Identifiers: Orphanet 140162, MedGen C0027672, MeSH D009386, MONDO:0015356.

Submission:

Ambry Genetics
Classification: Uncertain significance for Hereditary cancer-predisposing syndrome. Last evaluated: 2026-08-21. Review status: criteria provided, single submitter. Criteria: Ambry Variant Classification Scheme 2023. Collection method: clinical testing. Allele origin: germline.
Comment: The p.D74N variant (also known as c.220G>A), located in coding exon 4 of the BAP1 gene, results from a G to A substitution at nucleotide position 220. The aspartic acid at codon 74 is replaced by asparagine, an amino acid with highly similar properties. This amino acid position is conserved. In addition, this alteration is predicted to be tolerated by in silico analysis. Based on the available evidence, the clinical significance of this variant remains unclear.